The following is an entry in ClinVar:

ClinVar aggregate classification (germline): Pathogenic (1 of 4 stars; one submission).

Conditions:
Intellectual developmental disorder, autosomal dominant 56. Also called: Intellectual disability, autosomal dominant 56; MENTAL RETARDATION, AUTOSOMAL DOMINANT 56. Identifiers: MedGen C4693389, MONDO:0030922, OMIM 617854.

Submission:

Baylor Genetics
Classification: Pathogenic for Intellectual developmental disorder, autosomal dominant 56. Last evaluated: 2020-06-02. Review status: criteria provided, single submitter. Criteria: ACMG Guidelines, 2015. Collection method: clinical testing. Allele origin: unknown. Affected: yes.
Comment: This variant was determined to be pathogenic according to ACMG Guidelines, 2015 [PMID:25741868].

NM_004859.4(CLTC):c.4602C>G (p.Tyr1534Ter)

Genes: CLTC (clathrin heavy chain; plus strand), LOC125177523 (Sharpr-MPRA regulatory region 12460; plus strand). Cytogenetic location: 17q23.1.
Variant type: single nucleotide variant.
Coding change: c.4602C>G on transcript NM_004859.4 (MANE Select); coding-DNA position 4602, C replaced by G.
Protein change: p.Tyr1534Ter; replaces tyrosine 1534 with a stop codon.
Molecular consequence: nonsense.
Genome position (GRCh38, 1-based): chr17:59,685,223, C>G. VCF-style: chr17-59685223-C-G. GRCh37 (hg19) VCF-style: chr17-57762584-C-G.
Other names: c.4614C>G, p.Tyr1538Ter (NM_001288653.2); short protein forms Y1534*, Y1538*.
Identifiers: ClinVar variation 1029302 (VCV001029302.1), dbSNP rs766317685, ClinGen allele CA400422425.
Genomic context (GRCh38, chr17:59,685,223, plus strand): 5'-CTTCAAAGGCAACAATCGCTGGAAACAGAGTGTAGAGCTGTGCAAGAAAGACAGCCTTTA[C>G]AAGGTTGATAAAGTTGCGGGGCAGGGGCTGTTTTAAACCAGGCCTAAAATGGTGTTACAA-3'